The following is an entry in ClinVar:

ClinVar aggregate classification (germline): Uncertain significance (1 of 4 stars; one submission).

Conditions:
Cardiovascular phenotype. Identifiers: MedGen CN230736.

Allele frequency attached by ClinVar (database versions not stated): gnomAD exomes below 0.00001.
gnomAD v4.1: 1 of 1,614,250 alleles (0.000062%); highest among the groups gnomAD compares: Non-Finnish European, 0.000085%; no homozygotes.

Submission:

Ambry Genetics
Classification: Uncertain significance for Cardiovascular phenotype. Last evaluated: 2020-06-01. Review status: criteria provided, single submitter. Criteria: Ambry Variant Classification Scheme 2023. Collection method: clinical testing. Allele origin: germline.
Comment: The p.T37I variant (also known as c.110C>T), located in coding exon 1 of the KCNJ5 gene, results from a C to T substitution at nucleotide position 110. The threonine at codon 37 is replaced by isoleucine, an amino acid with similar properties. This amino acid position is highly conserved in available vertebrate species. In addition, the in silico prediction for this alteration is inconclusive. Since supporting evidence is limited at this time, the clinical significance of this alteration remains unclear.

NM_000890.5(KCNJ5):c.110C>T (p.Thr37Ile)

Gene: KCNJ5 (potassium inwardly rectifying channel subfamily J member 5; plus strand). Cytogenetic location: 11q24.3.
Variant type: single nucleotide variant.
Coding change: c.110C>T on transcript NM_000890.5 (MANE Select); coding-DNA position 110, C replaced by T.
Protein change: p.Thr37Ile; replaces threonine 37 with isoleucine.
Molecular consequence: missense variant.
Genome position (GRCh38, 1-based): chr11:128,911,383, C>T. VCF-style: chr11-128911383-C-T. GRCh37 (hg19) VCF-style: chr11-128781278-C-T.
Other names: c.110C>T, p.Thr37Ile (NM_001354169.2); short protein forms T37I.
Identifiers: ClinVar variation 1794740 (VCV001794740.2), dbSNP rs1944494966, ClinGen allele CA383245903.